The following is an entry in ClinVar:

ClinVar aggregate classification (germline): Likely benign. Review status: criteria provided, single submitter (1 of 4 stars). 2 submissions from 2 submitters: Likely benign (1). 1 of the submissions does not count toward it. Last evaluated 2022-08-08.

Conditions:
Inborn genetic diseases. Identifiers: MedGen C0950123, MeSH D030342.
SETD1B-related disorder. Also called: SETD1B-related condition.

Allele frequency attached by ClinVar (database versions not stated): gnomAD exomes 0.00009; ExAC 0.00037; ESP Exome Variant Server 0.00066; TOPMed 0.00080; gnomAD 0.00086; 1000 Genomes Project 0.00160; 1000 Genomes Project 30x 0.00187.
gnomAD v4.1: 268 of 1,551,888 alleles (0.017%); highest among the groups gnomAD compares: African/African-American, 0.32%; no homozygotes.

Submissions (2):

Ambry Genetics
Classification: Likely benign for Inborn genetic diseases. Last evaluated: 2022-08-08. Review status: criteria provided, single submitter. Criteria: Ambry Variant Classification Scheme 2023. Collection method: clinical testing. Allele origin: germline.

PreventionGenetics, part of Exact Sciences
Classification: Likely benign for SETD1B-related condition. Last evaluated: 2021-06-30. Review status: no assertion criteria provided. Collection method: clinical testing. Allele origin: germline. Not counted in ClinVar's aggregate classification.
Comment: This variant is classified as likely benign based on ACMG/AMP sequence variant interpretation guidelines (Richards et al. 2015 PMID: 25741868, with internal and published modifications).

NM_001353345.2(SETD1B):c.3430A>G (p.Ser1144Gly)

Gene: SETD1B (SET domain containing 1B, histone lysine methyltransferase; plus strand). Cytogenetic location: 12q24.31.
Variant type: single nucleotide variant.
Coding change: c.3430A>G on transcript NM_001353345.2 (MANE Select); coding-DNA position 3430, A replaced by G.
Protein change: p.Ser1144Gly; replaces serine 1144 with glycine.
Molecular consequence: missense variant.
Genome position (GRCh38, 1-based): chr12:121,819,415, A>G. VCF-style: chr12-121819415-A-G. GRCh37 (hg19) VCF-style: chr12-122257321-A-G.
Other names: NM_015048.1:c.3301A>G; c.3430A>G (NM_001353345.1); short protein forms S1144G.
Identifiers: ClinVar variation 2245941 (VCV002245941.4), dbSNP rs201286518, ClinGen allele CA6839070.